The following is an entry in ClinVar:

ClinVar aggregate classification (germline): Uncertain significance (1 of 4 stars; one submission).

Conditions:
Hereditary cancer-predisposing syndrome. Also called: Neoplastic Syndromes, Hereditary; Hereditary Cancer Syndrome; Hereditary neoplastic syndrome; Tumor predisposition. Identifiers: Orphanet 140162, MedGen C0027672, MeSH D009386, MONDO:0015356.

Submission:

Ambry Genetics
Classification: Uncertain significance for Hereditary cancer-predisposing syndrome. Last evaluated: 2023-03-19. Review status: criteria provided, single submitter. Criteria: Ambry Variant Classification Scheme 2023. Collection method: clinical testing. Allele origin: germline.
Comment: The p.C1437F variant (also known as c.4310G>T), located in coding exon 23 of the PTCH1 gene, results from a G to T substitution at nucleotide position 4310. The cysteine at codon 1437 is replaced by phenylalanine, an amino acid with highly dissimilar properties. This amino acid position is conserved. In addition, this alteration is predicted to be tolerated by in silico analysis. Since supporting evidence is limited at this time, the clinical significance of this alteration remains unclear.

NM_000264.5(PTCH1):c.4310G>T (p.Cys1437Phe)

Gene: PTCH1 (patched 1; minus strand). Cytogenetic location: 9q22.32.
Variant type: single nucleotide variant.
Coding change: c.4310G>T on transcript NM_000264.5 (MANE Select); coding-DNA position 4310, G replaced by T.
Protein change: p.Cys1437Phe; replaces cysteine 1437 with phenylalanine.
Molecular consequence: missense variant. On other transcripts: non-coding transcript variant (1).
Genome position (GRCh38, 1-based): chr9:95,446,946, C>A on the plus strand (G>T on the coding strand, the complement: PTCH1 is on the minus strand). VCF-style: chr9-95446946-C-A. GRCh37 (hg19) VCF-style: chr9-98209228-C-A.
Other names: c.4112G>T, p.Cys1371Phe (NM_001083602.3); c.4307G>T, p.Cys1436Phe (NM_001083603.3); c.3857G>T, p.Cys1286Phe (NM_001083604.3, NM_001083605.3, NM_001083606.3 and 1 more transcripts); c.4154G>T, p.Cys1385Phe (NM_001354918.2); short protein forms C1436F, C1385F, C1371F, C1437F, C1286F.
Identifiers: ClinVar variation 2564356 (VCV002564356.2), dbSNP rs2537994142, ClinGen allele CA374109886.